The following is an entry in ClinVar:

ClinVar aggregate classification (germline): Likely benign (0 of 4 stars; one submission).

Conditions:
C9orf72-related disorder. Also called: C9orf72-related condition.

Allele frequency attached by ClinVar (database versions not stated): gnomAD exomes 0.00010; ExAC 0.00040; gnomAD 0.00103; TOPMed 0.00114; 1000 Genomes Project 30x 0.00156; 1000 Genomes Project 0.00160; ESP Exome Variant Server 0.00169.
gnomAD v4.1: 309 of 1,613,950 alleles (0.019%); highest among the groups gnomAD compares: African/African-American, 0.34%; 2 homozygotes.

Submission:

PreventionGenetics, part of Exact Sciences
Classification: Likely benign for C9orf72-related condition. Last evaluated: 2019-10-30. Review status: no assertion criteria provided. Collection method: clinical testing. Allele origin: germline.
Comment: This variant is classified as likely benign based on ACMG/AMP sequence variant interpretation guidelines (Richards et al. 2015 PMID: 25741868, with internal and published modifications).

NM_018325.5(C9orf72):c.270G>A (p.Lys90=)

Gene: C9orf72 (C9orf72-SMCR8 complex subunit; minus strand). Cytogenetic location: 9p21.2.
Variant type: single nucleotide variant.
Coding change: c.270G>A on transcript NM_018325.5 (MANE Select); coding-DNA position 270, G replaced by A.
Protein change: p.Lys90=; no amino-acid change (lysine 90 retained).
Molecular consequence: synonymous variant.
Genome position (GRCh38, 1-based): chr9:27,566,851, C>T on the plus strand (G>A on the coding strand, the complement: C9orf72 is on the minus strand). VCF-style: chr9-27566851-C-T. GRCh37 (hg19) VCF-style: chr9-27566849-C-T.
Other names: c.270G>A, p.Lys90= (NM_001256054.3, NM_145005.7).
Identifiers: ClinVar variation 3045013 (VCV003045013.2), dbSNP rs145418675, ClinGen allele CA5018008.
Genomic context (GRCh38, chr9:27,566,851, plus strand): 5'-ATATGTGCTGCGATCCCCATTCCAGTTTCCATCAAAGATTAATGAAACAATAATCACTCC[C>T]TTTTCAGACAAGACAAAAAACTTTACATCTATAGCACCACTCTCTGCATTTCGAAGGATT-3'
Protein context (NP_060795.1, residues 80-100): IDVKFFVLSE[Lys90=]GVIIVSLIFD